The following is an entry in ClinVar:

NM_015158.5(KANK1):c.3148C>T (p.His1050Tyr)

Gene: KANK1 (KN motif and ankyrin repeat domains 1; plus strand). Cytogenetic location: 9p24.3.
Variant type: single nucleotide variant.
Coding change: c.3148C>T on transcript NM_015158.5 (MANE Select); coding-DNA position 3148, C replaced by T.
Protein change: p.His1050Tyr; replaces histidine 1050 with tyrosine.
Molecular consequence: missense variant. On other transcripts: intron variant (5).
Genome position (GRCh38, 1-based): chr9:732,520, C>T. VCF-style: chr9-732520-C-T. GRCh37 (hg19) VCF-style: chr9-732520-C-T.
Other names: c.3148C>T, p.His1050Tyr (NM_001256876.3, NM_001256877.3, NM_001354334.2); c.3094C>T, p.His1032Tyr (NM_001354332.2); c.2674C>T, p.His892Tyr (NM_001354333.2, NM_001354335.2, NM_001354337.2 and 2 more transcripts); c.2620C>T, p.His874Tyr (NM_001354338.2, NM_001354340.2, NM_001354344.2); c.3005+1254C>T (NM_001354331.2); c.2477+1254C>T (NM_001354336.2); c.2531+1254C>T (NM_001354339.2, NM_001354343.2, NM_001354342.2); short protein forms H1032Y, H874Y, H1050Y, H892Y.
Identifiers: ClinVar variation 2783138 (VCV002783138.3), dbSNP rs1035552085, ClinGen allele CA187788410.
Genomic context (GRCh38, chr9:732,520, plus strand): 5'-TATCCTCTTGAAGAAGAGGAGGAGGAGGAGGATGAAGACACTCGGGGAATGGCAGAAGGG[C>T]ACCATGCAGTTAATATTGAAGGTTTGAAGTCTGCCAGGGTGGAAGATGAAATGCAGGTTC-3'
Protein context (NP_055973.2, residues 1040-1060): DEDTRGMAEG[His1050Tyr]HAVNIEGLKS

ClinVar aggregate classification (germline): Uncertain significance (1 of 4 stars; one submission).

Allele frequency attached by ClinVar (database versions not stated): gnomAD exomes below 0.00001; TOPMed below 0.00001.
gnomAD v4.1: 2 of 1,614,080 alleles (0.00012%); highest among the groups gnomAD compares: Non-Finnish European, 0.00017%; no homozygotes.

Submission:

Labcorp Genetics (formerly Invitae), Labcorp
Classification: Uncertain significance. Last evaluated: 2023-10-03. Review status: criteria provided, single submitter. Criteria: Invitae Variant Classification Sherloc (09022015). Collection method: clinical testing. Allele origin: germline.
Comment: This sequence change replaces histidine, which is basic and polar, with tyrosine, which is neutral and polar, at codon 1050 of the KANK1 protein (p.His1050Tyr). This variant is not present in population databases (gnomAD no frequency). This variant has not been reported in the literature in individuals affected with KANK1-related conditions. An algorithm developed to predict the effect of missense changes on protein structure and function (PolyPhen-2) suggests that this variant is likely to be tolerated. In summary, the available evidence is currently insufficient to determine the role of this variant in disease. Therefore, it has been classified as a Variant of Uncertain Significance.